The following is an entry in ClinVar:

NM_022082.4(SLC17A9):c.1190C>T (p.Thr397Met)

Gene: SLC17A9 (solute carrier family 17 member 9; plus strand). Cytogenetic location: 20q13.33.
Variant type: single nucleotide variant.
Coding change: c.1190C>T on transcript NM_022082.4 (MANE Select); coding-DNA position 1190, C replaced by T.
Protein change: p.Thr397Met; replaces threonine 397 with methionine.
Molecular consequence: missense variant.
Genome position (GRCh38, 1-based): chr20:62,967,379, C>T. VCF-style: chr20-62967379-C-T. GRCh37 (hg19) VCF-style: chr20-61598731-C-T.
Other names: c.1172C>T, p.Thr391Met (NM_001302643.2); short protein forms T391M, T397M.
Identifiers: ClinVar variation 3056517 (VCV003056517.2), dbSNP rs7271712, ClinGen allele CA9953316.

ClinVar aggregate classification (germline): Benign (0 of 4 stars; one submission).

Conditions:
SLC17A9-related disorder. Also called: SLC17A9-related condition.

Allele frequency attached by ClinVar (database versions not stated): gnomAD exomes 0.02548; ExAC 0.02647; 1000 Genomes Project 0.04173; gnomAD 0.04400; 1000 Genomes Project 30x 0.04450; ESP Exome Variant Server 0.04614; TOPMed 0.04914.
gnomAD v4.1: 44,304 of 1,614,116 alleles (2.7%); highest among the groups gnomAD compares: African/African-American, 8.9%; 889 homozygotes.

Submission:

PreventionGenetics, part of Exact Sciences
Classification: Benign for SLC17A9-related condition. Last evaluated: 2020-02-24. Review status: no assertion criteria provided. Collection method: clinical testing. Allele origin: germline.
Comment: This variant is classified as benign based on ACMG/AMP sequence variant interpretation guidelines (Richards et al. 2015 PMID: 25741868, with internal and published modifications).